The following is an entry in ClinVar:

NM_001127222.2(CACNA1A):c.1082+300C>T

Genes: CACNA1A (calcium voltage-gated channel subunit alpha1 A; minus strand), LOC126862866 (MED14-independent group 3 enhancer GRCh37_chr19:13445719-13446918; plus strand). Cytogenetic location: 19p13.13.
Variant type: single nucleotide variant.
Coding change: c.1082+300C>T on transcript NM_001127222.2 (MANE Select); 300 bases into the intron after coding-DNA position 1082, C replaced by T.
Molecular consequence: intron variant.
Genome position (GRCh38, 1-based): chr19:13,335,506, G>A on the plus strand (C>T on the coding strand, the complement: CACNA1A is on the minus strand). VCF-style: chr19-13335506-G-A. GRCh37 (hg19) VCF-style: chr19-13446320-G-A.
Other names: c.1082+300C>T (NM_001127221.2, NM_001174080.2, NM_000068.4 and 1 more transcripts).
Identifiers: ClinVar variation 672605 (VCV000672605.1), dbSNP rs185686627, ClinGen allele CA305540717.
Genomic context (GRCh38, chr19:13,335,506, plus strand): 5'-TTATGATTAAGCCAAAAAAATCTTGGGGATAGAGGACAATATGGGTCAGGAAAATACACC[G>A]TTAGAGCATATGCTATGATTTTATATTTGGAAAATGGGGGAGAAGTAAACCCAAACTATT-3'

ClinVar aggregate classification (germline): Likely benign (1 of 4 stars; one submission).

Allele frequency attached by ClinVar (database versions not stated): 1000 Genomes Project 30x 0.00141; 1000 Genomes Project 0.00160; TOPMed 0.00456; gnomAD 0.00698.
gnomAD v4.1: 904 of 152,158 alleles (0.59%); highest among the groups gnomAD compares: Non-Finnish European, 0.78%; 6 homozygotes.

Submission:

GeneDx
Classification: Likely benign. Last evaluated: 2018-06-14. Review status: criteria provided, single submitter. Criteria: GeneDx Variant Classification (06012015). Collection method: clinical testing. Allele origin: germline. Affected: yes.
Comment: This variant is considered likely benign or benign based on one or more of the following criteria: it is a conservative change, it occurs at a poorly conserved position in the protein, it is predicted to be benign by multiple in silico algorithms, and/or has population frequency not consistent with disease.